The following is an entry in ClinVar:

ClinVar aggregate classification (germline): Uncertain significance (1 of 4 stars; one submission).

Submission:

GeneDx
Classification: Uncertain significance. Last evaluated: 2024-06-17. Review status: criteria provided, single submitter. Criteria: GeneDx Variant Classification Process June 2021. Collection method: clinical testing. Allele origin: germline. Affected: yes.
Comment: Not observed at significant frequency in large population cohorts (gnomAD); In silico analysis indicates that this missense variant does not alter protein structure/function; Has not been previously published as pathogenic or benign to our knowledge

NM_001386298.1(CIC):c.7310C>G (p.Pro2437Arg)

Gene: CIC (capicua transcriptional repressor; plus strand). Cytogenetic location: 19q13.2.
Variant type: single nucleotide variant.
Coding change: c.7310C>G on transcript NM_001386298.1 (MANE Select); coding-DNA position 7310, C replaced by G.
Protein change: p.Pro2437Arg; replaces proline 2437 with arginine.
Molecular consequence: missense variant.
Genome position (GRCh38, 1-based): chr19:42,294,947, C>G. VCF-style: chr19-42294947-C-G. GRCh37 (hg19) VCF-style: chr19-42799099-C-G.
Other names: c.7310C>G, p.Pro2437Arg (NM_001304815.2); c.7307C>G, p.Pro2436Arg (NM_001379480.1, NM_001379482.1); c.4577C>G, p.Pro1526Arg (NM_001379484.1); c.4574C>G, p.Pro1525Arg (NM_001379485.1); c.4583C>G, p.Pro1528Arg (NM_015125.5); short protein forms P1525R, P1526R, P1528R, P2436R, P2437R.
Identifiers: ClinVar variation 3391634 (VCV003391634.1).